The following is an entry in ClinVar:

NM_001267550.2(TTN):c.104972C>T (p.Thr34991Ile)

Genes: TTN (titin; minus strand), TTN-AS1 (TTN antisense RNA 1; plus strand). Cytogenetic location: 2q31.2.
Variant type: single nucleotide variant.
Coding change: c.104972C>T on transcript NM_001267550.2 (MANE Select); coding-DNA position 104972, C replaced by T.
Protein change: p.Thr34991Ile; replaces threonine 34991 with isoleucine.
Molecular consequence: missense variant.
Genome position (GRCh38, 1-based): chr2:178,531,643, G>A on the plus strand (C>T on the coding strand, the complement: TTN is on the minus strand). VCF-style: chr2-178531643-G-A. GRCh37 (hg19) VCF-style: chr2-179396370-G-A.
Other names: c.100049C>T, p.Thr33350Ile (NM_001256850.1); c.77777C>T, p.Thr25926Ile (NM_003319.4); c.97268C>T, p.Thr32423Ile (NM_133378.4); c.78152C>T, p.Thr26051Ile (NM_133432.3); c.78353C>T, p.Thr26118Ile (NM_133437.4); short protein forms T26051I, T25926I, T32423I, T26118I, T33350I, T34991I.
Identifiers: ClinVar variation 1970024 (VCV001970024.5), dbSNP rs2468417637, ClinGen allele CA349409759.

ClinVar aggregate classification (germline): Uncertain significance (1 of 4 stars; one submission).

Conditions:
Dilated cardiomyopathy 1G (CMD1G). Identifiers: Orphanet 154, MedGen C1858763, MONDO:0011400, OMIM 604145.
Autosomal recessive limb-girdle muscular dystrophy type 2J (LGMDR10). Also called: Limb-girdle muscular dystrophy, type 2J; MUSCULAR DYSTROPHY, LIMB-GIRDLE, AUTOSOMAL RECESSIVE 10. Identifiers: Orphanet 140922, MedGen C1837342, MONDO:0012127, OMIM 608807.

Allele frequency attached by ClinVar (database versions not stated): gnomAD exomes below 0.00001.
gnomAD v4.1: 1 of 1,613,980 alleles (0.000062%); highest among the groups gnomAD compares: African/African-American, 0.0013%; no homozygotes.

Submission:

Labcorp Genetics (formerly Invitae), Labcorp
Classification: Uncertain significance for Dilated cardiomyopathy 1G; Autosomal recessive limb-girdle muscular dystrophy type 2J. Last evaluated: 2024-04-17. Review status: criteria provided, single submitter. Criteria: Invitae Variant Classification Sherloc (09022015). Collection method: clinical testing. Allele origin: germline.
Comment: This sequence change replaces threonine, which is neutral and polar, with isoleucine, which is neutral and non-polar, at codon 34991 of the TTN protein (p.Thr34991Ile). This variant is not present in population databases (gnomAD no frequency). This variant has not been reported in the literature in individuals affected with TTN-related conditions. ClinVar contains an entry for this variant (Variation ID: 1970024). Experimental studies and prediction algorithms are not available or were not evaluated, and the functional significance of this variant is currently unknown. This variant is located in the M band of TTN (PMID: 25589632). Non-truncating variants in this region may be relevant for neuromuscular disorders, but have not been definitively shown to cause cardiomyopathy (PMID: 23975875). In summary, the available evidence is currently insufficient to determine the role of this variant in disease. Therefore, it has been classified as a Variant of Uncertain Significance.

Literature cited by the submitters: PubMed 25589632; PubMed 23975875.